The following is an entry in ClinVar:

ClinVar aggregate classification (germline): Benign (1 of 4 stars; one submission).

Allele frequency attached by ClinVar (database versions not stated): TOPMed 0.38539; gnomAD 0.40040; 1000 Genomes Project 30x 0.45924; 1000 Genomes Project 0.46366.
gnomAD v4.1: 59,424 of 151,882 alleles (39%); highest among the groups gnomAD compares: East Asian, 75%; 12,085 homozygotes.

Submission:

GeneDx
Classification: Benign. Last evaluated: 2018-06-14. Review status: criteria provided, single submitter. Criteria: GeneDx Variant Classification (06012015). Collection method: clinical testing. Allele origin: germline. Affected: yes.
Comment: This variant is considered likely benign or benign based on one or more of the following criteria: it is a conservative change, it occurs at a poorly conserved position in the protein, it is predicted to be benign by multiple in silico algorithms, and/or has population frequency not consistent with disease.

NM_182961.4(SYNE1):c.7351-247C>A

Gene: SYNE1 (spectrin repeat containing nuclear envelope protein 1; minus strand). Cytogenetic location: 6q25.2.
Variant type: single nucleotide variant.
Coding change: c.7351-247C>A on transcript NM_182961.4 (MANE Select); 247 bases into the intron before coding-DNA position 7351, C replaced by A.
Molecular consequence: intron variant.
Genome position (GRCh38, 1-based): chr6:152,397,227, G>T on the plus strand (C>A on the coding strand, the complement: SYNE1 is on the minus strand). VCF-style: chr6-152397227-G-T. GRCh37 (hg19) VCF-style: chr6-152718362-G-T.
Other names: c.7372-247C>A (NM_033071.5).
Identifiers: ClinVar variation 670667 (VCV000670667.1), dbSNP rs551681, ClinGen allele CA12213436.